The following is an entry in ClinVar:

NM_001099857.5(IKBKG):c.1144C>T (p.Pro382Ser)

Gene: IKBKG (inhibitor of nuclear factor kappa B kinase regulatory subunit gamma; plus strand). Cytogenetic location: Xq28.
Variant type: single nucleotide variant.
Coding change: c.1144C>T on transcript NM_001099857.5 (MANE Select); coding-DNA position 1144, C replaced by T.
Protein change: p.Pro382Ser; replaces proline 382 with serine.
Molecular consequence: missense variant. On other transcripts: non-coding transcript variant (1).
Genome position (GRCh38, 1-based): chrX:154,564,345, C>T. VCF-style: chrX-154564345-C-T. GRCh37 (hg19) VCF-style: chrX-153792560-C-T.
Other names: p.Pro382Ser; c.1348C>T, p.Pro450Ser (NM_001099856.6); c.847C>T, p.Pro283Ser (NM_001145255.4); c.1144C>T, p.Pro382Ser (NM_001321396.3, NM_001377312.1, NM_003639.4); c.1141C>T, p.Pro381Ser (NM_001321397.3, NM_001377313.1); c.988C>T, p.Pro330Ser (NM_001377314.1); c.775C>T, p.Pro259Ser (NM_001377315.1); short protein forms P259S, P283S, P330S, P381S, P382S, P450S.
Identifiers: ClinVar variation 3380764 (VCV003380764.2).

ClinVar aggregate classification (germline): Uncertain significance (1 of 4 stars; one submission).

Submission:

Mayo Clinic Laboratories, Mayo Clinic
Classification: Uncertain significance. Last evaluated: 2024-03-01. Review status: criteria provided, single submitter. Criteria: ACMG Guidelines, 2015. Collection method: clinical testing. Allele origin: germline. Observed: 2 variant alleles.
Comment: BP4, PM2_supporting